The following is an entry in ClinVar:

ClinVar aggregate classification (germline): Uncertain significance (1 of 4 stars; one submission).

Submission:

GeneDx
Classification: Uncertain significance. Last evaluated: 2024-12-09. Review status: criteria provided, single submitter. Criteria: GeneDx Variant Classification Process June 2021. Collection method: clinical testing. Allele origin: germline. Affected: yes.
Comment: Not observed at significant frequency in large population cohorts (gnomAD); In silico analysis indicates that this missense variant does not alter protein structure/function; Has not been previously published as pathogenic or benign to our knowledge

NM_005676.5(RBM10):c.2159A>G (p.Asp720Gly)

Gene: RBM10 (RNA binding motif protein 10; plus strand). Cytogenetic location: Xp11.3.
Variant type: single nucleotide variant.
Coding change: c.2159A>G on transcript NM_005676.5 (MANE Select); coding-DNA position 2159, A replaced by G.
Protein change: p.Asp720Gly; replaces aspartic acid 720 with glycine.
Molecular consequence: missense variant.
Genome position (GRCh38, 1-based): chrX:47,185,360, A>G. VCF-style: chrX-47185360-A-G. GRCh37 (hg19) VCF-style: chrX-47044759-A-G.
Other names: c.1928A>G, p.Asp643Gly (NM_001204466.2); c.2156A>G, p.Asp719Gly (NM_001204467.2); c.2354A>G, p.Asp785Gly (NM_001204468.2); c.1925A>G, p.Asp642Gly (NM_152856.3); short protein forms D642G, D643G, D719G, D720G, D785G.
Identifiers: ClinVar variation 3903371 (VCV003903371.1).